The following is an entry in ClinVar:

NM_002734.5(PRKAR1A):c.*2212C>T

Gene: PRKAR1A (protein kinase cAMP-dependent type I regulatory subunit alpha; plus strand). Cytogenetic location: 17q24.2.
Variant type: single nucleotide variant.
Coding change: c.*2212C>T on transcript NM_002734.5 (MANE Select); 2212 bases downstream of the stop codon, C replaced by T.
Molecular consequence: 3 prime UTR variant. On other transcripts: intron variant (1).
Genome position (GRCh38, 1-based): chr17:68,532,661, C>T. VCF-style: chr17-68532661-C-T. GRCh37 (hg19) VCF-style: chr17-66528802-C-T.
Other names: c.*2212C>T (NM_001276289.2, NM_001278433.2, NM_001369389.1 and 3 more transcripts); c.973+2660C>T (NM_001276290.1).
Identifiers: ClinVar variation 891584 (VCV000891584.4), dbSNP rs545517617, ClinGen allele CA293298423.

ClinVar aggregate classification (germline): Benign. Review status: criteria provided, single submitter (1 of 4 stars). 2 submissions from 1 submitter: Benign (2). Last evaluated 2018-01-13.

Conditions:
Acrodysostosis 1 with or without hormone resistance (ACRDYS1). Also called: ACRODYSOSTOSIS 1 WITH HORMONE RESISTANCE; ACRODYSOSTOSIS 1 WITHOUT HORMONE RESISTANCE; ACRODYSOSTOSIS WITH HORMONE RESISTANCE. Identifiers: Orphanet 280651, MedGen C3276228, MONDO:0007044, OMIM 101800.
Carney complex, type 1 (CNC1). Also called: CARNEY MYXOMA-ENDOCRINE COMPLEX; CARNEY COMPLEX, TYPE I. Identifiers: Orphanet 1359, MedGen C2607929, MONDO:0008057, OMIM 160980.

Allele frequency attached by ClinVar (database versions not stated): gnomAD below 0.00001 and 0.00017; TOPMed 0.00001; gnomAD exomes 0.00003; 1000 Genomes Project 0.00180; 1000 Genomes Project 30x 0.00219.
gnomAD v4.1: 63 of 1,066,280 alleles (0.0059%); highest among the groups gnomAD compares: South Asian, 0.25%; 1 homozygote.

Submissions (2):

Illumina Laboratory Services, Illumina
Classification: Benign for Carney complex, type 1. Last evaluated: 2018-01-13. Review status: criteria provided, single submitter. Criteria: ICSL Variant Classification Criteria 13 December 2019. Collection method: clinical testing. Allele origin: germline.
Comment: This variant was observed in the ICSL laboratory as part of a predisposition screen in an ostensibly healthy population. It had not been previously curated by ICSL or reported in the Human Gene Mutation Database (HGMD: prior to June 1st, 2018), and was therefore a candidate for classification through an automated scoring system. Utilizing variant allele frequency, disease prevalence and penetrance estimates, and inheritance mode, an automated score was calculated to assess if this variant is too frequent to cause the disease. Based on the score and internal cut-off values, a variant classified as benign is not then subjected to further curation. The score for this variant resulted in a classification of benign for this disease.

Illumina Laboratory Services, Illumina
Classification: Benign for Acrodysostosis 1 with or without hormone resistance. Last evaluated: 2018-01-13. Review status: criteria provided, single submitter. Criteria: ICSL Variant Classification Criteria 13 December 2019. Collection method: clinical testing. Allele origin: germline.
Comment: the same text as in the submission from Illumina Laboratory Services, Illumina above.